The following is an entry in ClinVar:

ClinVar aggregate classification (germline): Uncertain significance (1 of 4 stars; one submission).

Conditions:
Muscular dystrophy-dystroglycanopathy (congenital with brain and eye anomalies), type A9. Also called: WALKER-WARBURG SYNDROME OR MUSCLE-EYE BRAIN DISEASE, DAG1-RELATED; Muscular dystrophy-dystroglycanopathy (congenital with brain and eye anomalies), type a, 9. Identifiers: Orphanet 370997, Orphanet 899, MedGen C4225291, MONDO:0014683, OMIM 616538.
Autosomal recessive limb-girdle muscular dystrophy type 2P. Also called: MUSCULAR DYSTROPHY-DYSTROGLYCANOPATHY, LIMB-GIRDLE, DAG1-RELATED; Limb-Girdle Muscular Dystrophy Type 9C; MUSCULAR DYSTROPHY, LIMB-GIRDLE, TYPE 2P. Identifiers: Orphanet 280333, MedGen C4511963, MONDO:0013440, OMIM 613818.

Allele frequency attached by ClinVar (database versions not stated): gnomAD 0.00001; TOPMed 0.00002.
gnomAD v4.1: 29 of 1,613,940 alleles (0.0018%); highest among the groups gnomAD compares: East Asian, 0.0045%; no homozygotes.

Submission:

Labcorp Genetics (formerly Invitae), Labcorp
Classification: Uncertain significance for Autosomal recessive limb-girdle muscular dystrophy type 2P; Muscular dystrophy-dystroglycanopathy (congenital with brain and eye anomalies), type A9. Last evaluated: 2022-07-17. Review status: criteria provided, single submitter. Criteria: Invitae Variant Classification Sherloc (09022015). Collection method: clinical testing. Allele origin: germline.
Comment: This sequence change replaces threonine, which is neutral and polar, with methionine, which is neutral and non-polar, at codon 445 of the DAG1 protein (p.Thr445Met). This variant is present in population databases (no rsID available, gnomAD 0.003%). This variant has not been reported in the literature in individuals affected with DAG1-related conditions. Algorithms developed to predict the effect of missense changes on protein structure and function are either unavailable or do not agree on the potential impact of this missense change (SIFT: "Deleterious"; PolyPhen-2: "Probably Damaging"; Align-GVGD: "Class C0"). In summary, the available evidence is currently insufficient to determine the role of this variant in disease. Therefore, it has been classified as a Variant of Uncertain Significance.

NM_004393.6(DAG1):c.1334C>T (p.Thr445Met)

Gene: DAG1 (dystroglycan 1; plus strand). Cytogenetic location: 3p21.31.
Variant type: single nucleotide variant.
Coding change: c.1334C>T on transcript NM_004393.6 (MANE Select); coding-DNA position 1334, C replaced by T.
Protein change: p.Thr445Met; replaces threonine 445 with methionine.
Molecular consequence: missense variant.
Genome position (GRCh38, 1-based): chr3:49,531,845, C>T. VCF-style: chr3-49531845-C-T. GRCh37 (hg19) VCF-style: chr3-49569278-C-T.
Other names: c.1334C>T, p.Thr445Met (NM_001177636.3, NM_001177637.3, NM_001177638.3 and 9 more transcripts); short protein forms T445M.
Identifiers: ClinVar variation 2139296 (VCV002139296.1), dbSNP rs996628254, ClinGen allele CA74522187.
Genomic context (GRCh38, chr3:49,531,845, plus strand): 5'-AGAAGCCACGAGTATCCACACCAAAACCAGCAACGCCTTCAACTGACTCCACCACCACCA[C>T]GACTCGCAGGCCAACCAAGAAACCACGGACACCCCGGCCAGTGCCCCGGGTCACCACCAA-3'
Protein context (NP_004384.5, residues 435-455): ATPSTDSTTT[Thr445Met]TRRPTKKPRT